The following is an entry in ClinVar:

NM_006231.4(POLE):c.1158G>A (p.Glu386=)

Gene: POLE (DNA polymerase epsilon, catalytic subunit; minus strand). Cytogenetic location: 12q24.33.
Variant type: single nucleotide variant.
Coding change: c.1158G>A on transcript NM_006231.4 (MANE Select); coding-DNA position 1158, G replaced by A.
Protein change: p.Glu386=; no amino-acid change (glutamic acid 386 retained).
Molecular consequence: synonymous variant.
Genome position (GRCh38, 1-based): chr12:132,675,466, C>T on the plus strand (G>A on the coding strand, the complement: POLE is on the minus strand). VCF-style: chr12-132675466-C-T. GRCh37 (hg19) VCF-style: chr12-133252052-C-T.
Other names: c.1158G>A (NM_006231.2).
Identifiers: ClinVar variation 1542999 (VCV001542999.10), dbSNP rs2136009028, ClinGen allele CA482849692.

ClinVar aggregate classification (germline): Benign/Likely benign. Review status: criteria provided, multiple submitters, no conflicts (2 of 4 stars). 3 submissions from 3 submitters: Benign (1); Likely benign (2). Last evaluated 2025-02-10.

Conditions:
Hereditary cancer-predisposing syndrome. Also called: Hereditary Cancer Syndrome; Tumor predisposition; Neoplastic Syndromes, Hereditary; Hereditary neoplastic syndrome. Identifiers: Orphanet 140162, MedGen C0027672, MeSH D009386, MONDO:0015356.
Colorectal cancer, susceptibility to, 12 (CRCS12). Also called: COLORECTAL CANCER, SUSCEPTIBILITY TO, ON CHROMOSOME 12q24. Identifiers: Orphanet 220460, MedGen C3554460, MONDO:0014038, OMIM 615083.

gnomAD v4.1: 4 of 1,614,198 alleles (0.00025%); highest among the groups gnomAD compares: Non-Finnish European, 0.00034%; no homozygotes.

Submissions (3):

Myriad Genetics, Inc.
Classification: Benign for Colorectal cancer, susceptibility to, 12. Last evaluated: 2025-02-10. Review status: criteria provided, single submitter. Criteria: Myriad Autosomal Dominant, Autosomal Recessive and X-Linked Classification Criteria (2023). Collection method: clinical testing. Allele origin: unknown.
Comment: This variant is considered benign. This variant is a silent/synonymous amino acid change and it is not expected to impact splicing.

Labcorp Genetics (formerly Invitae), Labcorp
Classification: Likely benign. Last evaluated: 2024-04-10. Review status: criteria provided, single submitter. Criteria: Invitae Variant Classification Sherloc (09022015). Collection method: clinical testing. Allele origin: germline.

Ambry Genetics
Classification: Likely benign for Hereditary cancer-predisposing syndrome. Last evaluated: 2022-11-16. Review status: criteria provided, single submitter. Criteria: Ambry Variant Classification Scheme 2023. Collection method: clinical testing. Allele origin: germline.